The following is an entry in ClinVar:

ClinVar aggregate classification (germline): Uncertain significance (1 of 4 stars; one submission).

gnomAD v4.1: 2 of 1,611,698 alleles (0.00012%); highest among the groups gnomAD compares: Non-Finnish European, 0.00017%; no homozygotes.

Submission:

Labcorp Genetics (formerly Invitae), Labcorp
Classification: Uncertain significance. Last evaluated: 2023-02-25. Review status: criteria provided, single submitter. Criteria: Invitae Variant Classification Sherloc (09022015). Collection method: clinical testing. Allele origin: germline.
Comment: An algorithm developed to predict the effect of missense changes on protein structure and function (PolyPhen-2) suggests that this variant is likely to be tolerated. This sequence change replaces aspartic acid, which is acidic and polar, with asparagine, which is neutral and polar, at codon 15 of the PPP3CA protein (p.Asp15Asn). This variant is not present in population databases (gnomAD no frequency). This variant has not been reported in the literature in individuals affected with PPP3CA-related conditions. In summary, the available evidence is currently insufficient to determine the role of this variant in disease. Therefore, it has been classified as a Variant of Uncertain Significance.

NM_000944.5(PPP3CA):c.43G>A (p.Asp15Asn)

Gene: PPP3CA (protein phosphatase 3 catalytic subunit alpha; minus strand). Cytogenetic location: 4q24.
Variant type: single nucleotide variant.
Coding change: c.43G>A on transcript NM_000944.5 (MANE Select); coding-DNA position 43, G replaced by A.
Protein change: p.Asp15Asn; replaces aspartic acid 15 with asparagine.
Molecular consequence: missense variant.
Genome position (GRCh38, 1-based): chr4:101,346,754, C>T on the plus strand (G>A on the coding strand, the complement: PPP3CA is on the minus strand). VCF-style: chr4-101346754-C-T. GRCh37 (hg19) VCF-style: chr4-102267911-C-T.
Other names: c.43G>A, p.Asp15Asn (NM_001130691.2, NM_001130692.2); short protein forms D15N.
Identifiers: ClinVar variation 3008603 (VCV003008603.3), dbSNP rs866171704, ClinGen allele CA103004284.